The following is an entry in ClinVar:

NM_001256447.2(BCAP31):c.202C>T (p.Arg68Cys)

Gene: BCAP31 (B cell receptor associated protein 31; minus strand). Cytogenetic location: Xq28.
Variant type: single nucleotide variant.
Coding change: c.202C>T on transcript NM_001256447.2 (MANE Select); coding-DNA position 202, C replaced by T.
Protein change: p.Arg68Cys; replaces arginine 68 with cysteine.
Molecular consequence: missense variant.
Genome position (GRCh38, 1-based): chrX:153,715,681, G>A on the plus strand (C>T on the coding strand, the complement: BCAP31 is on the minus strand). VCF-style: chrX-153715681-G-A. GRCh37 (hg19) VCF-style: chrX-152981136-G-A.
Other names: c.202C>T, p.Arg68Cys (NM_001139441.1, NM_005745.8); c.403C>T, p.Arg135Cys (NM_001139457.2); short protein forms R135C, R68C.
Identifiers: ClinVar variation 2784251 (VCV002784251.3), dbSNP rs2522227122, ClinGen allele CA415094558.
Genomic context (GRCh38, chrX:153,715,681, plus strand): 5'-CCCCGGGATTGTTCTGGAGGTTCACCTTTTCCGTCACATCATCATACTTCCGAATTTCGC[G>A]CACGGCATCTGTGGTGGAGCAGAGAGGAGACACGGGCATTTAGCGGACACTAGGGCAAGA-3'
Protein context (NP_001243376.1, residues 58-78): ILVLLVIDAV[Arg68Cys]EIRKYDDVTE

ClinVar aggregate classification (germline): Uncertain significance (1 of 4 stars; one submission).

Allele frequency attached by ClinVar (database versions not stated): gnomAD exomes below 0.00001.

Submission:

Labcorp Genetics (formerly Invitae), Labcorp
Classification: Uncertain significance. Last evaluated: 2022-11-23. Review status: criteria provided, single submitter. Criteria: Invitae Variant Classification Sherloc (09022015). Collection method: clinical testing. Allele origin: germline.
Comment: Algorithms developed to predict the effect of missense changes on protein structure and function (SIFT, PolyPhen-2, Align-GVGD) all suggest that this variant is likely to be disruptive. This sequence change replaces arginine, which is basic and polar, with cysteine, which is neutral and slightly polar, at codon 68 of the BCAP31 protein (p.Arg68Cys). This variant is not present in population databases (gnomAD no frequency). This variant has not been reported in the literature in individuals affected with BCAP31-related conditions. In summary, the available evidence is currently insufficient to determine the role of this variant in disease. Therefore, it has been classified as a Variant of Uncertain Significance.